The following is an entry in ClinVar:

ClinVar aggregate classification (germline): Uncertain significance (1 of 4 stars; one submission).

gnomAD v4.1: 10 of 1,613,706 alleles (0.00062%); highest among the groups gnomAD compares: Non-Finnish European, 0.00085%; no homozygotes.

Submission:

Labcorp Genetics (formerly Invitae), Labcorp
Classification: Uncertain significance. Last evaluated: 2024-08-14. Review status: criteria provided, single submitter. Criteria: Invitae Variant Classification Sherloc (09022015). Collection method: clinical testing. Allele origin: germline.
Comment: This sequence change replaces glycine, which is neutral and non-polar, with serine, which is neutral and polar, at codon 557 of the DNM1L protein (p.Gly557Ser). This variant is not present in population databases (gnomAD no frequency). This variant has not been reported in the literature in individuals affected with DNM1L-related conditions. An algorithm developed to predict the effect of missense changes on protein structure and function (PolyPhen-2) suggests that this variant is likely to be tolerated. In summary, the available evidence is currently insufficient to determine the role of this variant in disease. Therefore, it has been classified as a Variant of Uncertain Significance.

NM_012062.5(DNM1L):c.1669G>A (p.Gly557Ser)

Gene: DNM1L (dynamin 1 like; plus strand). Cytogenetic location: 12p11.21.
Variant type: single nucleotide variant.
Coding change: c.1669G>A on transcript NM_012062.5 (MANE Select); coding-DNA position 1669, G replaced by A.
Protein change: p.Gly557Ser; replaces glycine 557 with serine.
Molecular consequence: missense variant. On other transcripts: intron variant (3).
Genome position (GRCh38, 1-based): chr12:32,737,937, G>A. VCF-style: chr12-32737937-G-A. GRCh37 (hg19) VCF-style: chr12-32890871-G-A.
Other names: c.1669G>A, p.Gly557Ser (NM_001278463.2); c.1708G>A, p.Gly570Ser (NM_001278464.2, NM_001278465.2); c.1060G>A, p.Gly354Ser (NM_001278466.2); c.1635+776G>A (NM_001330380.2); c.1597-327G>A (NM_012063.4); c.1596+776G>A (NM_005690.5); short protein forms G570S, G557S, G354S.
Identifiers: ClinVar variation 3656977 (VCV003656977.2).